The following is an entry in ClinVar:

NM_001038603.3(MARVELD2):c.880_890del (p.Phe294fs)

Gene: MARVELD2 (MARVEL domain containing 2; plus strand). Cytogenetic location: 5q13.2.
Variant type: Deletion.
Coding change: c.880_890del on transcript NM_001038603.3 (MANE Select); coding-DNA positions 880 to 890, 11 bases deleted (TTTGGAATTAA).
Protein change: p.Phe294fs; shifts the reading frame from phenylalanine 294.
Molecular consequence: frameshift variant.
Genome position (GRCh38, 1-based): chr5:69,420,265-69,420,275, TTTGGAATTAA deleted; deleting any 11 consecutive bases within chr5:69,420,263-69,420,275 gives the same sequence; the c. name uses the placement nearest the transcript's 3' end. VCF-style (leftmost placement, unchanged base first): chr5-69420262-GAATTTGGAATT-G. GRCh37 (hg19) VCF-style: chr5-68716089-GAATTTGGAATT-G.
Other names: c.880_890del (NM_001038603.2); c.880_890delTTTGGAATTAA (NM_001038603.2); c.880_890del, p.Phe294fs (NM_001244734.2); short protein forms F294fs.
Identifiers: ClinVar variation 425344 (VCV000425344.45), dbSNP rs770042200, ClinGen allele CA3294132.

ClinVar aggregate classification (germline): Likely pathogenic. Review status: criteria provided, multiple submitters, no conflicts (2 of 4 stars). 3 submissions from 3 submitters: Likely pathogenic (3). Last evaluated 2021-04-12.

Conditions:
Hearing impairment. Also called: Impaired Hearing. Identifiers: MedGen C1384666, MONDO:0005365, HP:0000365.

Submissions (3):

Department of Otolaryngology – Head & Neck Surgery, Cochlear Implant Center
Classification: Likely pathogenic for Hearing impairment. Last evaluated: 2021-04-12. Review status: criteria provided, single submitter. Criteria: ClinGen HL ACMG Specifications v1. Collection method: clinical testing. Allele origin: germline. Affected: yes.
Comment: PVS1_Strong, PM2_Moderate, PM3_Supporting

GeneDx
Classification: Likely pathogenic. Last evaluated: 2018-07-30. Review status: criteria provided, single submitter. Criteria: GeneDx Variant Classification (06012015). Collection method: clinical testing. Allele origin: germline. Affected: yes.
Comment: The c.880_890del11 variant has not been published as a pathogenic variant, nor has it been reported as a benign variant to our knowledge. It causes a frameshift starting with codon Phenylalanine 294, changes this amino acid to an Arginine residue and creates a premature Stop codon at position 17 of the new reading frame, denoted p.Phe294ArgfsX17. This variant is predicted to cause loss of normal protein function either through protein truncation or nonsense-mediated mRNA decay. The variant is not observed at a significant frequency in large population cohorts (Lek et al., 2016). We consider this variant to be likely pathogenic.

CeGaT Center for Human Genetics Tuebingen
Classification: Likely pathogenic. Last evaluated: 2016-10-01. Review status: criteria provided, single submitter. Criteria: CeGaT Center For Human Genetics Tuebingen Variant Classification Criteria Version 2. Collection method: clinical testing. Allele origin: germline. Affected: yes. Observed: 1 variant allele.